The following is an entry in ClinVar:

NM_201384.3(PLEC):c.10444C>T (p.Arg3482Cys)

Gene: PLEC (plectin; minus strand). Cytogenetic location: 8q24.3.
Variant type: single nucleotide variant.
Coding change: c.10444C>T on transcript NM_201384.3 (MANE Select); coding-DNA position 10444, C replaced by T.
Protein change: p.Arg3482Cys; replaces arginine 3482 with cysteine.
Molecular consequence: missense variant.
Genome position (GRCh38, 1-based): chr8:143,919,377, G>A on the plus strand (C>T on the coding strand, the complement: PLEC is on the minus strand). VCF-style: chr8-143919377-G-A. GRCh37 (hg19) VCF-style: chr8-144993545-G-A.
Other names: c.10525C>T, p.Arg3509Cys (NM_000445.5); c.10402C>T, p.Arg3468Cys (NM_201378.4); c.10378C>T, p.Arg3460Cys (NM_201379.3); c.10855C>T, p.Arg3619Cys (NM_201380.4); c.10348C>T, p.Arg3450Cys (NM_201381.3); c.10444C>T, p.Arg3482Cys (NM_201382.4); c.10456C>T, p.Arg3486Cys (NM_201383.3); short protein forms R3450C, R3460C, R3468C, R3482C, R3486C, R3509C, R3619C.
Identifiers: ClinVar variation 196845 (VCV000196845.14), dbSNP rs370181826, ClinGen allele CA244505.

ClinVar aggregate classification (germline): Uncertain significance. Review status: criteria provided, multiple submitters, no conflicts (2 of 4 stars). 3 submissions from 3 submitters: Uncertain significance (3). Last evaluated 2025-10-07.

Conditions:
Autosomal recessive limb-girdle muscular dystrophy type 2Q (LGMDR17). Also called: MUSCULAR DYSTROPHY, LIMB-GIRDLE, AUTOSOMAL RECESSIVE 17. Identifiers: Orphanet 254361, MedGen C3150989, MONDO:0013390, OMIM 613723.
Epidermolysis bullosa simplex 5B, with muscular dystrophy (EBS5B). Also called: EPIDERMOLYSIS BULLOSA SIMPLEX AND LIMB-GIRDLE MUSCULAR DYSTROPHY; Epidermolysis bullosa simplex with muscular dystrophy. Identifiers: Orphanet 257, MedGen C2931072, MONDO:0009181, OMIM 226670.
Epidermolysis bullosa simplex, Ogna type (EBS5A). Also called: EPIDERMOLYSIS BULLOSA SIMPLEX 5A, OGNA TYPE; Pidermolysis bullosa simplex 5A, Ogna type. Identifiers: Orphanet 79401, MedGen C0432317, MONDO:0007555, OMIM 131950.
Epidermolysis bullosa simplex 5C, with pyloric atresia (EBS5C). Also called: PLEC-Related Epidermolysis Bullosa with Pyloric Atresia; Epidermolysis bullosa simplex with pyloric atresia; PLEC1-Related Epidermolysis Bullosa with Pyloric Atresia. Identifiers: Orphanet 158684, MedGen C2677349, MONDO:0012807, OMIM 612138.
Epidermolysis bullosa simplex with nail dystrophy (EBS5D). Identifiers: MedGen C4225309, MONDO:0014661, OMIM 616487.

Allele frequency attached by ClinVar (database versions not stated): gnomAD 0.00001; ExAC 0.00002; gnomAD exomes 0.00002 and 0.00006; TOPMed 0.00002; ESP Exome Variant Server 0.00008.
gnomAD v4.1: 86 of 1,613,608 alleles (0.0053%); highest among the groups gnomAD compares: Admixed American, 0.0083%; no homozygotes.

Submissions (3):

Labcorp Genetics (formerly Invitae), Labcorp
Classification: Uncertain significance for Autosomal recessive limb-girdle muscular dystrophy type 2Q; Epidermolysis bullosa simplex, Ogna type; Epidermolysis bullosa simplex with nail dystrophy; Epidermolysis bullosa simplex 5C, with pyloric atresia; Epidermolysis bullosa simplex 5B, with muscular dystrophy. Last evaluated: 2025-10-07. Review status: criteria provided, single submitter. Criteria: Invitae Variant Classification Sherloc (09022015). Collection method: clinical testing. Allele origin: germline.
Comment: This sequence change replaces arginine, which is basic and polar, with cysteine, which is neutral and slightly polar, at codon 3509 of the PLEC protein (p.Arg3509Cys). This variant is present in population databases (rs370181826, gnomAD 0.007%). This variant has not been reported in the literature in individuals affected with PLEC-related conditions. ClinVar contains an entry for this variant (Variation ID: 196845). Invitae Evidence Modeling of protein sequence and biophysical properties (such as structural, functional, and spatial information, amino acid conservation, physicochemical variation, residue mobility, and thermodynamic stability) indicates that this missense variant is not expected to disrupt PLEC protein function with a negative predictive value of 80%. In summary, the available evidence is currently insufficient to determine the role of this variant in disease. Therefore, it has been classified as a Variant of Uncertain Significance.

Revvity Omics, Revvity
Classification: Uncertain significance. Last evaluated: 2021-05-25. Review status: criteria provided, single submitter. Criteria: ACMG Guidelines, 2015. Collection method: clinical testing. Allele origin: germline.

Eurofins Ntd Llc (ga)
Classification: Uncertain significance. Last evaluated: 2015-03-01. Review status: criteria provided, single submitter. Criteria: EGL Classification Definitions 2015. Collection method: clinical testing. Allele origin: germline. Observed: 1 variant allele, 1 heterozygote.